The following is an entry in ClinVar:

NM_006648.4(WNK2):c.5789T>C (p.Leu1930Pro)

Gene: WNK2 (WNK lysine deficient protein kinase 2; plus strand). Cytogenetic location: 9q22.31.
Variant type: single nucleotide variant.
Coding change: c.5789T>C on transcript NM_006648.4 (MANE Select); coding-DNA position 5789, T replaced by C.
Protein change: p.Leu1930Pro; replaces leucine 1930 with proline.
Molecular consequence: missense variant.
Genome position (GRCh38, 1-based): chr9:93,297,933, T>C. VCF-style: chr9-93297933-T-C. GRCh37 (hg19) VCF-style: chr9-96060215-T-C.
Other names: c.5900T>C, p.Leu1967Pro (NM_001282394.3); short protein forms L1967P, L1930P.
Identifiers: ClinVar variation 3816758 (VCV003816758.1).
Genomic context (GRCh38, chr9:93,297,933, plus strand): 5'-AGCTGCAGAGCCAGCAGAAGCAGGAGATCGAAGCTCTGTACCGCCGCCTGGGCAAGCCAC[T>C]GCCCCCCAACGTGGGCTTCTTCCACACGGCACCCCCCACTGGCCGCCGGAGAAAAACCAG-3'
Protein context (NP_006639.3, residues 1920-1940): EALYRRLGKP[Leu1930Pro]PPNVGFFHTA

ClinVar aggregate classification (germline): Uncertain significance (1 of 4 stars; one submission).

gnomAD v4.1: 2 of 1,589,838 alleles (0.00013%); highest among the groups gnomAD compares: Admixed American, 0.0018%; no homozygotes.

Submission:

Ambry Genetics
Classification: Uncertain significance. Last evaluated: 2025-01-06. Review status: criteria provided, single submitter. Criteria: Ambry Variant Classification Scheme 2023. Collection method: clinical testing. Allele origin: germline.
Comment: The p.L1930P variant (also known as c.5789T>C), located in coding exon 23 of the WNK2 gene, results from a T to C substitution at nucleotide position 5789. The leucine at codon 1930 is replaced by proline, an amino acid with similar properties. This amino acid position is conserved. In addition, this alteration is predicted to be tolerated by in silico analysis. Based on the available evidence, the clinical significance of this variant remains unclear.